The following is an entry in ClinVar:

ClinVar aggregate classification (germline): Uncertain significance. Review status: criteria provided, multiple submitters, no conflicts (2 of 4 stars). 6 submissions from 6 submitters: Uncertain significance (6). Last evaluated 2025-09-12.

Conditions:
NPHP3-related disorder. Also called: NPHP3-related condition; NPHP3-related disorders. Identifiers: MedGen CN379163.
Nephronophthisis. Also called: Juvenile Nephronophthisis. Identifiers: Orphanet 655, MedGen C0687120, MONDO:0019005, HP:0000090.
NPHP3-related Meckel-like syndrome. Also called: GOLDSTON SYNDROME; Meckel syndrome type 7. Identifiers: Orphanet 3032, MedGen C2673885, MONDO:0009966, OMIM 267010.
Nephronophthisis 3 (NPHP3). Also called: Adolescent nephronophthisis. Identifiers: Orphanet 655, MedGen C1858392, MONDO:0011456, OMIM 604387.
Renal-hepatic-pancreatic dysplasia 1 (RHPD1). Identifiers: MedGen C3715199, MONDO:0008833, OMIM 208540.

Allele frequency attached by ClinVar (database versions not stated): gnomAD 0.00017; ESP Exome Variant Server 0.00023; TOPMed 0.00023.
gnomAD v4.1: 532 of 1,611,312 alleles (0.033%); highest among the groups gnomAD compares: Non-Finnish European, 0.042%; no homozygotes.

Submissions (6):

PreventionGenetics, part of Exact Sciences
Classification: Uncertain significance for NPHP3-related condition. Last evaluated: 2025-09-12. Review status: criteria provided, single submitter. Criteria: ACMG Guidelines, 2015. Collection method: clinical testing. Allele origin: germline.
Comment: The NPHP3 c.944A>T variant is predicted to result in the amino acid substitution p.Asp315Val. To our knowledge, this variant has not been reported in the literature. This variant is reported in 0.025% of alleles in individuals of European (Non-Finnish) descent in gnomAD. At this time, the clinical significance of this variant is uncertain due to the absence of conclusive functional and genetic evidence.

Blueprint Genetics
Classification: Uncertain significance. Last evaluated: 2024-10-25. Review status: criteria provided, single submitter. Criteria: ACMG Guidelines, 2015. Collection method: clinical testing. Allele origin: germline.

Fulgent Genetics
Classification: Uncertain significance for Renal-hepatic-pancreatic dysplasia 1; NPHP3-related Meckel-like syndrome; Nephronophthisis 3. Last evaluated: 2024-04-16. Review status: criteria provided, single submitter. Criteria: ACMG Guidelines, 2015. Collection method: clinical testing. Allele origin: germline.

Labcorp Genetics (formerly Invitae), Labcorp
Classification: Uncertain significance for Nephronophthisis. Last evaluated: 2023-10-03. Review status: criteria provided, single submitter. Criteria: Invitae Variant Classification Sherloc (09022015). Collection method: clinical testing. Allele origin: germline.
Comment: This sequence change replaces aspartic acid, which is acidic and polar, with valine, which is neutral and non-polar, at codon 315 of the NPHP3 protein (p.Asp315Val). This variant is present in population databases (rs149565564, gnomAD 0.02%). This variant has not been reported in the literature in individuals affected with NPHP3-related conditions. ClinVar contains an entry for this variant (Variation ID: 497874). Advanced modeling of protein sequence and biophysical properties (such as structural, functional, and spatial information, amino acid conservation, physicochemical variation, residue mobility, and thermodynamic stability) performed at Invitae indicates that this missense variant is not expected to disrupt NPHP3 protein function. In summary, the available evidence is currently insufficient to determine the role of this variant in disease. Therefore, it has been classified as a Variant of Uncertain Significance.

Mayo Clinic Laboratories, Mayo Clinic
Classification: Uncertain significance. Last evaluated: 2021-09-07. Review status: criteria provided, single submitter. Criteria: ACMG Guidelines, 2015. Collection method: clinical testing. Allele origin: germline.

Eurofins Ntd Llc (ga)
Classification: Uncertain significance. Last evaluated: 2018-05-29. Review status: criteria provided, single submitter. Criteria: EGL ClinVar v180209 classification definitions. Collection method: clinical testing. Allele origin: germline. Observed: 5 variant alleles, 5 heterozygotes.

NM_153240.5(NPHP3):c.944A>T (p.Asp315Val)

Genes: NPHP3 (nephrocystin 3; minus strand), NPHP3-ACAD11 (NPHP3-ACAD11 readthrough (NMD candidate); minus strand). Cytogenetic location: 3q22.1.
Variant type: single nucleotide variant.
Coding change: c.944A>T on transcript NM_153240.5 (MANE Select); coding-DNA position 944, A replaced by T.
Protein change: p.Asp315Val; replaces aspartic acid 315 with valine.
Molecular consequence: missense variant. On other transcripts: non-coding transcript variant (1).
Genome position (GRCh38, 1-based): chr3:132,715,098, T>A on the plus strand (A>T on the coding strand, the complement: NPHP3 is on the minus strand). VCF-style: chr3-132715098-T-A. GRCh37 (hg19) VCF-style: chr3-132433942-T-A.
Other names: p.Asp315Val; short protein forms D315V.
Identifiers: ClinVar variation 497874 (VCV000497874.18), dbSNP rs149565564, ClinGen allele CA2622465.